The following is an entry in ClinVar:

NM_001303052.2(MYT1L):c.3476A>G (p.Tyr1159Cys)

Gene: MYT1L (myelin transcription factor 1 like; minus strand). Cytogenetic location: 2p25.3.
Variant type: single nucleotide variant.
Coding change: c.3476A>G on transcript NM_001303052.2 (MANE Select); coding-DNA position 3476, A replaced by G.
Protein change: p.Tyr1159Cys; replaces tyrosine 1159 with cysteine.
Molecular consequence: missense variant. On other transcripts: 3 prime UTR variant (2), intron variant (2).
Genome position (GRCh38, 1-based): chr2:1,791,952, T>C on the plus strand (A>G on the coding strand, the complement: MYT1L is on the minus strand). VCF-style: chr2-1791952-T-C. GRCh37 (hg19) VCF-style: chr2-1795724-T-C.
Other names: c.3476A>G, p.Tyr1159Cys (NM_001329844.2, NM_001329845.1); c.3470A>G, p.Tyr1157Cys (NM_001329847.2, NM_001329848.1, NM_015025.4); c.*357A>G (NM_001329851.3, NM_001329852.3); c.3420+369A>G (NM_001329849.3); c.3414+369A>G (NM_001329846.3); short protein forms Y1157C, Y1159C.
Identifiers: ClinVar variation 1698124 (VCV001698124.2), dbSNP rs2032160927, ClinGen allele CA345732249.

ClinVar aggregate classification (germline): Uncertain significance (1 of 4 stars; one submission).

Allele frequency attached by ClinVar (database versions not stated): TOPMed below 0.00001.

Submission:

GeneDx
Classification: Uncertain significance. Last evaluated: 2022-01-19. Review status: criteria provided, single submitter. Criteria: GeneDx Variant Classification Process June 2021. Collection method: clinical testing. Allele origin: germline. Affected: yes.
Comment: Not observed at significant frequency in large population cohorts (gnomAD); In silico analysis supports that this missense variant has a deleterious effect on protein structure/function; Has not been previously published as pathogenic or benign to our knowledge